The following is an entry in ClinVar:

ClinVar aggregate classification (germline): Conflicting classifications of pathogenicity. Review status: criteria provided, conflicting classifications (1 of 4 stars). 7 submissions from 6 submitters: Uncertain significance (1); Likely benign (6). Last evaluated 2025-10-10.

Conditions:
Early-infantile DEE. Also called: Early infantile epileptic encephalopathy; Ohtahara syndrome; Early infantile epileptic encephalopathy with suppression bursts. Identifiers: Orphanet 1934, MedGen C0393706, MONDO:0800491.
Inborn genetic diseases. Identifiers: MedGen C0950123, MeSH D030342.
Migraine, familial hemiplegic, 3. Identifiers: Orphanet 569, MedGen C1864987, MONDO:0012320, OMIM 609634.
Generalized epilepsy with febrile seizures plus, type 2 (GEFSP2). Also called: GEFS+, TYPE 2. Identifiers: Orphanet 36387, MedGen C1858673, MONDO:0011461, OMIM 604403.

Allele frequency attached by ClinVar (database versions not stated): gnomAD 0.00008 and 0.00009; TOPMed 0.00009; 1000 Genomes Project 0.00020; 1000 Genomes Project 30x 0.00031; gnomAD exomes 0.00001 and 0.00003; ExAC 0.00003.
gnomAD v4.1: 22 of 1,614,168 alleles (0.0014%); highest among the groups gnomAD compares: African/African-American, 0.024%; no homozygotes.

Submissions (7):

Labcorp Genetics (formerly Invitae), Labcorp
Classification: Likely benign for Early-infantile DEE. Last evaluated: 2025-10-10. Review status: criteria provided, single submitter. Criteria: Invitae Variant Classification Sherloc (09022015). Collection method: clinical testing. Allele origin: germline.

Ambry Genetics
Classification: Likely benign for Inborn genetic diseases. Last evaluated: 2024-10-20. Review status: criteria provided, single submitter. Criteria: Ambry Variant Classification Scheme 2023. Collection method: clinical testing. Allele origin: germline.

Women's Health and Genetics/Laboratory Corporation of America, LabCorp
Classification: Likely benign. Last evaluated: 2019-12-12. Review status: criteria provided, single submitter. Criteria: LabCorp Variant Classification Summary - May 2015. Collection method: clinical testing. Allele origin: germline.

Illumina Laboratory Services, Illumina
Classification: Likely benign for Migraine, familial hemiplegic, 3. Last evaluated: 2018-01-13. Review status: criteria provided, single submitter. Criteria: ICSL Variant Classification Criteria 13 December 2019. Collection method: clinical testing. Allele origin: germline.
Comment: This variant was observed in the ICSL laboratory as part of a predisposition screen in an ostensibly healthy population. It had not been previously curated by ICSL or reported in the Human Gene Mutation Database (HGMD: prior to June 1st, 2018), and was therefore a candidate for classification through an automated scoring system. Utilizing variant allele frequency, disease prevalence and penetrance estimates, and inheritance mode, an automated score was calculated to assess if this variant is too frequent to cause the disease. Based on the score and internal cut-off values, a variant classified as likely benign is not then subjected to further curation. The score for this variant resulted in a classification of likely benign for this disease.

Illumina Laboratory Services, Illumina
Classification: Uncertain significance for Generalized epilepsy with febrile seizures plus, type 2. Last evaluated: 2018-01-13. Review status: criteria provided, single submitter. Criteria: ICSL Variant Classification Criteria 13 December 2019. Collection method: clinical testing. Allele origin: germline.

Athena Diagnostics
Classification: Likely benign. Last evaluated: 2017-03-22. Review status: criteria provided, single submitter. Criteria: Athena Diagnostics Criteria. Collection method: clinical testing. Allele origin: germline.

GeneDx
Classification: Likely benign. Last evaluated: 2016-03-03. Review status: criteria provided, single submitter. Criteria: GeneDx Variant Classification (06012015). Collection method: clinical testing. Allele origin: germline. Affected: yes.
Comment: This variant is considered likely benign or benign based on one or more of the following criteria: it is a conservative change, it occurs at a poorly conserved position in the protein, it is predicted to be benign by multiple in silico algorithms, and/or has population frequency not consistent with disease.

NM_001165963.4(SCN1A):c.2649C>T (p.Ile883=)

Gene: SCN1A (sodium voltage-gated channel alpha subunit 1; minus strand). Cytogenetic location: 2q24.3.
Variant type: single nucleotide variant.
Coding change: c.2649C>T on transcript NM_001165963.4 (MANE Select); coding-DNA position 2649, C replaced by T.
Protein change: p.Ile883=; no amino-acid change (isoleucine 883 retained).
Molecular consequence: synonymous variant. On other transcripts: non-coding transcript variant (1).
Genome position (GRCh38, 1-based): chr2:166,038,073, G>A on the plus strand (C>T on the coding strand, the complement: SCN1A is on the minus strand). VCF-style: chr2-166038073-G-A. GRCh37 (hg19) VCF-style: chr2-166894583-G-A.
Other names: c.2565C>T, p.Ile855= (NM_001165964.3, NM_001353957.2, NM_001353958.2); c.2649C>T, p.Ile883= (NM_001202435.3, NM_001353948.2); c.2616C>T, p.Ile872= (NM_001353949.2, NM_001353951.2, NM_001353950.2 and 2 more transcripts); c.2613C>T, p.Ile871= (NM_001353954.2, NM_001353955.2); c.2562C>T, p.Ile854= (NM_001353960.2); c.207C>T, p.Ile69= (NM_001353961.2).
Identifiers: ClinVar variation 384007 (VCV000384007.17), dbSNP rs543436497, ClinGen allele CA1943063.